The following is an entry in ClinVar:

ClinVar aggregate classification (germline): Uncertain significance (1 of 4 stars; one submission).

Conditions:
Ataxia-telangiectasia syndrome (AT). Also called: LOUIS-BAR SYNDROME; Ataxia telangiectasia (A-T); Cerebello-oculocutaneous telangiectasia; Immunodeficiency with ataxia telangiectasia; ATAXIA-TELANGIECTASIA, COMPLEMENTATION GROUP A; ATAXIA-TELANGIECTASIA, FRESNO VARIANT. Identifiers: Orphanet 100, MedGen C0004135, MONDO:0008840, OMIM 208900.

Submission:

Labcorp Genetics (formerly Invitae), Labcorp
Classification: Uncertain significance for Ataxia-telangiectasia syndrome. Last evaluated: 2019-03-28. Review status: criteria provided, single submitter. Criteria: Invitae Variant Classification Sherloc (09022015). Collection method: clinical testing. Allele origin: germline.
Comment: This variant is not present in population databases (ExAC no frequency). This sequence change replaces valine with leucine at codon 187 of the ATM protein (p.Val187Leu). The valine residue is moderately conserved and there is a small physicochemical difference between valine and leucine. In summary, the available evidence is currently insufficient to determine the role of this variant in disease. Therefore, it has been classified as a Variant of Uncertain Significance. Algorithms developed to predict the effect of missense changes on protein structure and function output the following: SIFT: "Tolerated"; PolyPhen-2: "Benign"; Align-GVGD: "Class C0". The leucine amino acid residue is found in multiple mammalian species, suggesting that this missense change does not adversely affect protein function. These predictions have not been confirmed by published functional studies and their clinical significance is uncertain. This variant has not been reported in the literature in individuals with ATM-related conditions.

NM_000051.4(ATM):c.559G>T (p.Val187Leu)

Gene: ATM (ATM serine/threonine kinase; plus strand). Cytogenetic location: 11q22.3.
Variant type: single nucleotide variant.
Coding change: c.559G>T on transcript NM_000051.4 (MANE Select); coding-DNA position 559, G replaced by T.
Protein change: p.Val187Leu; replaces valine 187 with leucine.
Molecular consequence: missense variant.
Genome position (GRCh38, 1-based): chr11:108,244,015, G>T. VCF-style: chr11-108244015-G-T. GRCh37 (hg19) VCF-style: chr11-108114742-G-T.
Other names: c.559G>T, p.Val187Leu (NM_001351834.2); short protein forms V187L.
Identifiers: ClinVar variation 950851 (VCV000950851.9), dbSNP rs1060501614, ClinGen allele CA382527762.